The following is an entry in ClinVar:

ClinVar aggregate classification (germline): Uncertain significance (1 of 4 stars; one submission).

Allele frequency attached by ClinVar (database versions not stated): gnomAD exomes below 0.00001; ExAC 0.00001; TOPMed 0.00002.
gnomAD v4.1: 2 of 1,614,082 alleles (0.00012%); highest among the groups gnomAD compares: African/African-American, 0.0027%; no homozygotes.

Submission:

Ambry Genetics
Classification: Uncertain significance. Last evaluated: 2023-04-14. Review status: criteria provided, single submitter. Criteria: Ambry Variant Classification Scheme 2023. Collection method: clinical testing. Allele origin: germline.
Comment: The p.G1352E variant (also known as c.4055G>A), located in coding exon 16 of the POLQ gene, results from a G to A substitution at nucleotide position 4055. The glycine at codon 1352 is replaced by glutamic acid, an amino acid with similar properties. This amino acid position is conserved. In addition, this alteration is predicted to be tolerated by in silico analysis. Since supporting evidence is limited at this time, the clinical significance of this alteration remains unclear.

NM_199420.4(POLQ):c.4055G>A (p.Gly1352Glu)

Gene: POLQ (DNA polymerase theta; minus strand). Cytogenetic location: 3q13.33.
Variant type: single nucleotide variant.
Coding change: c.4055G>A on transcript NM_199420.4 (MANE Select); coding-DNA position 4055, G replaced by A.
Protein change: p.Gly1352Glu; replaces glycine 1352 with glutamic acid.
Molecular consequence: missense variant.
Genome position (GRCh38, 1-based): chr3:121,488,876, C>T on the plus strand (G>A on the coding strand, the complement: POLQ is on the minus strand). VCF-style: chr3-121488876-C-T. GRCh37 (hg19) VCF-style: chr3-121207723-C-T.
Other names: short protein forms G1352E.
Identifiers: ClinVar variation 2561749 (VCV002561749.2), dbSNP rs761319918, ClinGen allele CA2562966.